The following is an entry in ClinVar:

NM_002294.3(LAMP2):c.741+11C>T

Gene: LAMP2 (lysosome associated membrane protein 2; minus strand). Cytogenetic location: Xq24.
Variant type: single nucleotide variant.
Coding change: c.741+11C>T on transcript NM_002294.3 (MANE Select); 11 bases into the intron after coding-DNA position 741, C replaced by T.
Molecular consequence: intron variant.
Genome position (GRCh38, 1-based): chrX:120,447,830, G>A on the plus strand (C>T on the coding strand, the complement: LAMP2 is on the minus strand). VCF-style: chrX-120447830-G-A. GRCh37 (hg19) VCF-style: chrX-119581685-G-A.
Other names: c.741+11C>T (NM_001122606.1, NM_013995.2).
Identifiers: ClinVar variation 44436 (VCV000044436.20), dbSNP rs149155417, ClinGen allele CA134175.

ClinVar aggregate classification (germline): Benign/Likely benign. Review status: criteria provided, multiple submitters, no conflicts (2 of 4 stars). 8 submissions from 8 submitters: Benign (5); Likely benign (1). 2 of the submissions do not count toward it. Last evaluated 2026-01-28.

Conditions:
Danon disease. Also called: ANTOPOL DISEASE; PSEUDOGLYCOGENOSIS II; GSD IIb; LYSOSOMAL GLYCOGEN STORAGE DISEASE WITHOUT ACID MALTASE DEFICIENCY; Glycogen Storage Disease Type IIb. Identifiers: Orphanet 34587, MedGen C0878677, MONDO:0010281, OMIM 300257.

Allele frequency attached by ClinVar (database versions not stated): gnomAD 0.00024 and 0.00044; TOPMed 0.00061; gnomAD exomes 0.00064 and 0.00101; ExAC 0.00101; 1000 Genomes Project 30x 0.00333; 1000 Genomes Project 0.00344.
gnomAD v4.1: 736 of 1,192,854 alleles (0.062%); highest among the groups gnomAD compares: East Asian, 2.1%; 10 homozygotes.

Submissions (8):

Labcorp Genetics (formerly Invitae), Labcorp
Classification: Benign for Danon disease. Last evaluated: 2026-01-28. Review status: criteria provided, single submitter. Criteria: Invitae Variant Classification Sherloc (09022015). Collection method: clinical testing. Allele origin: germline.

Blueprint Genetics
Classification: Likely benign. Last evaluated: 2024-10-30. Review status: criteria provided, single submitter. Criteria: ACMG Guidelines, 2015. Collection method: clinical testing. Allele origin: germline.

Women's Health and Genetics/Laboratory Corporation of America, LabCorp
Classification: Benign. Last evaluated: 2019-11-04. Review status: criteria provided, single submitter. Criteria: LabCorp Variant Classification Summary - May 2015. Collection method: clinical testing. Allele origin: germline.
Comment: Variant summary: LAMP2 c.741+11C>T alters a nucleotide located close to a canonical splice site and therefore could affect mRNA splicing, leading to a significantly altered protein sequence. 5/5 computational tools predict no significant impact on normal splicing. However, these predictions have yet to be confirmed by functional studies. The variant allele was found at a frequency of 0.001 in 182348 control chromosomes (gnomAD). The observed variant frequency is approximately 81 fold of the estimated maximal expected allele frequency for a pathogenic variant in LAMP2 causing Cardiomyopathy phenotype (1.3e-05), strongly suggesting that the variant is benign. To our knowledge, no occurrence of c.741+11C>T in individuals affected with Cardiomyopathy and no experimental evidence demonstrating its impact on protein function have been reported. No clinical diagnostic laboratories have submitted clinical-significance assessments for this variant to ClinVar after 2014. Based on the evidence outlined above, the variant was classified as benign.

Illumina Laboratory Services, Illumina
Classification: Benign for Danon disease. Last evaluated: 2018-01-13. Review status: criteria provided, single submitter. Criteria: ICSL Variant Classification Criteria 13 December 2019. Collection method: clinical testing. Allele origin: germline.
Comment: This variant was observed in the ICSL laboratory as part of a predisposition screen in an ostensibly healthy population. It had not been previously curated by ICSL or reported in the Human Gene Mutation Database (HGMD: prior to June 1st, 2018), and was therefore a candidate for classification through an automated scoring system. Utilizing variant allele frequency, disease prevalence and penetrance estimates, and inheritance mode, an automated score was calculated to assess if this variant is too frequent to cause the disease. Based on the score and internal cut-off values, a variant classified as benign is not then subjected to further curation. The score for this variant resulted in a classification of benign for this disease.

GeneDx
Classification: Benign. Last evaluated: 2015-03-03. Review status: criteria provided, single submitter. Criteria: GeneDx Variant Classification Process June 2021. Collection method: clinical testing. Allele origin: germline. Affected: yes.

Laboratory for Molecular Medicine, Mass General Brigham Personalized Medicine
Classification: Benign. Last evaluated: 2012-11-20. Review status: criteria provided, single submitter. Criteria: LMM Criteria. Collection method: clinical testing. Allele origin: germline. Observed: 2 variant alleles.
Comment: 741+11C>T in intron 5 of LAMP2: This variant is not expected to have clinical si gnificance because it has been identified in 2.1% (9/428) Asian chromosomes from a broad population by the 1000 Genomes project (dbSNP rs149155417).

Clinical Genetics, Academic Medical Center
Classification: Benign. Review status: no assertion criteria provided. Collection method: clinical testing. Allele origin: germline. Affected: yes. Study: VKGL Data-share Consensus. Not counted in ClinVar's aggregate classification.

Genome Diagnostics Laboratory, University Medical Center Utrecht
Classification: Likely benign. Review status: no assertion criteria provided. Collection method: clinical testing. Allele origin: germline. Affected: yes. Study: VKGL Data-share Consensus. Not counted in ClinVar's aggregate classification.